The following is an entry in ClinVar:

NM_004766.3(COPB2):c.932A>G (p.Asn311Ser)

Gene: COPB2 (coat protein complex I subunit beta 2; minus strand). Cytogenetic location: 3q23.
Variant type: single nucleotide variant.
Coding change: c.932A>G on transcript NM_004766.3 (MANE Select); coding-DNA position 932, A replaced by G.
Protein change: p.Asn311Ser; replaces asparagine 311 with serine.
Molecular consequence: missense variant. On other transcripts: non-coding transcript variant (1).
Genome position (GRCh38, 1-based): chr3:139,373,375, T>C on the plus strand (A>G on the coding strand, the complement: COPB2 is on the minus strand). VCF-style: chr3-139373375-T-C. GRCh37 (hg19) VCF-style: chr3-139092217-T-C.
Other names: c.845A>G, p.Asn282Ser (NM_001410834.1); short protein forms N282S, N311S.
Identifiers: ClinVar variation 4885417 (VCV004885417.2).

ClinVar aggregate classification (germline): Uncertain significance (1 of 4 stars; one submission).

gnomAD v4.1: 1 of 1,614,156 alleles (0.000062%); highest among the groups gnomAD compares: Non-Finnish European, 0.000085%; no homozygotes.

Submission:

Dasa
Classification: Uncertain significance. Last evaluated: 2025-05-25. Review status: criteria provided, single submitter. Criteria: DASA Assertion Criteria. Collection method: clinical testing. Allele origin: germline.
Comment: NM_004766.3(COPB2):c.932A>G (p.Asn311Ser) is a missense variant that results in the substitution of asparagine with serine. This variant is rare in population databases. Computational prediction algorithms are consistent with a benign effect. The currently available literature and clinical evidence are not sufficient to establish a definitive association between this variant and the reported condition. Therefore, this variant is classified as a variant of uncertain significance.